The following is an entry in ClinVar:

NM_001303256.3(MORC2):c.2281C>T (p.Arg761Trp)

Gene: MORC2 (MORC family CW-type zinc finger 2; minus strand). Cytogenetic location: 22q12.2.
Variant type: single nucleotide variant.
Coding change: c.2281C>T on transcript NM_001303256.3 (MANE Select); coding-DNA position 2281, C replaced by T.
Protein change: p.Arg761Trp; replaces arginine 761 with tryptophan.
Molecular consequence: missense variant.
Genome position (GRCh38, 1-based): chr22:30,934,104, G>A on the plus strand (C>T on the coding strand, the complement: MORC2 is on the minus strand). VCF-style: chr22-30934104-G-A. GRCh37 (hg19) VCF-style: chr22-31330091-G-A.
Other names: c.2281C>T, p.Arg761Trp (NM_001303257.2); c.2095C>T, p.Arg699Trp (NM_014941.3); short protein forms R761W, R699W.
Identifiers: ClinVar variation 475580 (VCV000475580.9), dbSNP rs369384586, ClinGen allele CA10186723.

ClinVar aggregate classification (germline): Uncertain significance (1 of 4 stars; one submission).

Conditions:
Charcot-Marie-Tooth disease axonal type 2Z. Also called: CHARCOT-MARIE-TOOTH DISEASE, AXONAL, AUTOSOMAL DOMINANT, TYPE 2Z; CHARCOT-MARIE-TOOTH NEUROPATHY, TYPE 2Z. Identifiers: Orphanet 466768, MedGen C5569025, MONDO:0014736, OMIM 616688.

Allele frequency attached by ClinVar (database versions not stated): gnomAD 0.00001; TOPMed 0.00001; gnomAD exomes 0.00002 and 0.00003; ExAC 0.00004; ESP Exome Variant Server 0.00008.
gnomAD v4.1: 31 of 1,613,948 alleles (0.0019%); highest among the groups gnomAD compares: East Asian, 0.0089%; no homozygotes.

Submission:

Labcorp Genetics (formerly Invitae), Labcorp
Classification: Uncertain significance for Charcot-Marie-Tooth disease axonal type 2Z. Last evaluated: 2025-02-24. Review status: criteria provided, single submitter. Criteria: Invitae Variant Classification Sherloc (09022015). Collection method: clinical testing. Allele origin: germline.
Comment: This sequence change replaces arginine, which is basic and polar, with tryptophan, which is neutral and slightly polar, at codon 761 of the MORC2 protein (p.Arg761Trp). This variant is present in population databases (rs369384586, gnomAD 0.02%). This variant has not been reported in the literature in individuals affected with MORC2-related conditions. ClinVar contains an entry for this variant (Variation ID: 475580). Invitae Evidence Modeling of protein sequence and biophysical properties (such as structural, functional, and spatial information, amino acid conservation, physicochemical variation, residue mobility, and thermodynamic stability) has been performed for this missense variant. However, the output from this modeling did not meet the statistical confidence thresholds required to predict the impact of this variant on MORC2 protein function. In summary, the available evidence is currently insufficient to determine the role of this variant in disease. Therefore, it has been classified as a Variant of Uncertain Significance.